The following is an entry in ClinVar:

NM_002471.4(MYH6):c.1434C>G (p.Cys478Trp)

Gene: MYH6 (myosin heavy chain 6; minus strand). Cytogenetic location: 14q11.2.
Variant type: single nucleotide variant.
Coding change: c.1434C>G on transcript NM_002471.4 (MANE Select); coding-DNA position 1434, C replaced by G.
Protein change: p.Cys478Trp; replaces cysteine 478 with tryptophan.
Molecular consequence: missense variant.
Genome position (GRCh38, 1-based): chr14:23,400,403, G>C on the plus strand (C>G on the coding strand, the complement: MYH6 is on the minus strand). VCF-style: chr14-23400403-G-C. GRCh37 (hg19) VCF-style: chr14-23869612-G-C.
Other names: short protein forms C478W.
Identifiers: ClinVar variation 2842832 (VCV002842832.3), dbSNP rs2502191813, ClinGen allele CA389023050.

ClinVar aggregate classification (germline): Uncertain significance (1 of 4 stars; one submission).

Conditions:
Hypertrophic cardiomyopathy 14. Identifiers: MedGen C2750467, MONDO:0013197, OMIM 613251.

Submission:

Labcorp Genetics (formerly Invitae), Labcorp
Classification: Uncertain significance for Hypertrophic cardiomyopathy 14. Last evaluated: 2023-03-30. Review status: criteria provided, single submitter. Criteria: Invitae Variant Classification Sherloc (09022015). Collection method: clinical testing. Allele origin: germline.
Comment: In summary, the available evidence is currently insufficient to determine the role of this variant in disease. Therefore, it has been classified as a Variant of Uncertain Significance. Advanced modeling of protein sequence and biophysical properties (such as structural, functional, and spatial information, amino acid conservation, physicochemical variation, residue mobility, and thermodynamic stability) performed at Invitae indicates that this missense variant is expected to disrupt MYH6 protein function. This variant has not been reported in the literature in individuals affected with MYH6-related conditions. This variant is not present in population databases (gnomAD no frequency). This sequence change replaces cysteine, which is neutral and slightly polar, with tryptophan, which is neutral and slightly polar, at codon 478 of the MYH6 protein (p.Cys478Trp).